The following is an entry in ClinVar:

NM_004523.4(KIF11):c.934C>T (p.Arg312Ter)

Gene: KIF11 (kinesin family member 11; plus strand). Cytogenetic location: 10q23.33.
Variant type: single nucleotide variant.
Coding change: c.934C>T on transcript NM_004523.4 (MANE Select); coding-DNA position 934, C replaced by T.
Protein change: p.Arg312Ter; replaces arginine 312 with a stop codon.
Molecular consequence: nonsense.
Genome position (GRCh38, 1-based): chr10:92,613,521, C>T. VCF-style: chr10-92613521-C-T. GRCh37 (hg19) VCF-style: chr10-94373278-C-T.
Other names: short protein forms R312*.
Identifiers: ClinVar variation 1075991 (VCV001075991.10), dbSNP rs2135905068, ClinGen allele CA377590491.

ClinVar aggregate classification (germline): Pathogenic/Likely pathogenic. Review status: criteria provided, multiple submitters, no conflicts (2 of 4 stars). 3 submissions from 3 submitters: Pathogenic (2); Likely pathogenic (1). Last evaluated 2023-03-30.

Conditions:
Microcephaly with or without chorioretinopathy, lymphedema, or impaired intellectual development. Also called: MICROCEPHALY AND CHORIORETINOPATHY WITH OR WITHOUT MENTAL RETARDATION, AUTOSOMAL DOMINANT; MICROCEPHALY, LYMPHEDEMA, CHORIORETINAL DYSPLASIA SYNDROME; Microcephaly lymphedema chorioretinal dysplasia; Microcephaly with or without chorioretinopathy, lymphedema, or mental retardation; Microcephaly with or without chorioretinopathy, lymphedema, or intellectual disability. Identifiers: Orphanet 2526, MedGen C1835265, MONDO:0007918, OMIM 152950.
Neurodevelopmental delay. Identifiers: MedGen C4022738, HP:0012758.

Submissions (3):

Revvity Omics, Revvity
Classification: Likely pathogenic for Microcephaly with or without chorioretinopathy, lymphedema, or impaired intellectual development. Last evaluated: 2023-03-30. Review status: criteria provided, single submitter. Criteria: ACMG Guidelines, 2015. Collection method: clinical testing. Allele origin: germline.

Labcorp Genetics (formerly Invitae), Labcorp
Classification: Pathogenic. Last evaluated: 2022-02-10. Review status: criteria provided, single submitter. Criteria: Invitae Variant Classification Sherloc (09022015). Collection method: clinical testing. Allele origin: germline.
Comment: This sequence change creates a premature translational stop signal (p.Arg312*) in the KIF11 gene. It is expected to result in an absent or disrupted protein product. Loss-of-function variants in KIF11 are known to be pathogenic (PMID: 22284827, 24281367). This variant is not present in population databases (gnomAD no frequency). This variant has not been reported in the literature in individuals affected with KIF11-related conditions. ClinVar contains an entry for this variant (Variation ID: 1075991). For these reasons, this variant has been classified as Pathogenic.

Centre de Biologie Pathologie Génétique, Centre Hospitalier Universitaire de Lille
Classification: Pathogenic for Neurodevelopmental delay. Review status: criteria provided, single submitter. Criteria: ACMG Guidelines, 2015. Collection method: clinical testing. Allele origin: inherited. Affected: yes.

Literature cited by the submitters: PubMed 22284827 (cited by Labcorp Genetics (formerly Invitae), Labcorp); PubMed 24281367 (cited by Labcorp Genetics (formerly Invitae), Labcorp).